The following is an entry in ClinVar:

ClinVar aggregate classification (germline): Likely benign (1 of 4 stars; one submission).

Allele frequency attached by ClinVar (database versions not stated): 1000 Genomes Project 0.00759; gnomAD 0.00798 and 0.00859; TOPMed 0.00876; 1000 Genomes Project 30x 0.00890.
gnomAD v4.1: 1,212 of 152,296 alleles (0.8%); highest among the groups gnomAD compares: African/African-American, 2.5%; 16 homozygotes.

Submission:

GeneDx
Classification: Likely benign. Last evaluated: 2018-06-19. Review status: criteria provided, single submitter. Criteria: GeneDx Variant Classification (06012015). Collection method: clinical testing. Allele origin: germline. Affected: yes.
Comment: This variant is considered likely benign or benign based on one or more of the following criteria: it is a conservative change, it occurs at a poorly conserved position in the protein, it is predicted to be benign by multiple in silico algorithms, and/or has population frequency not consistent with disease.

NM_017909.4(RMND1):c.614-207T>G

Gene: RMND1 (required for meiotic nuclear division 1 homolog; minus strand). Cytogenetic location: 6q25.1.
Variant type: single nucleotide variant.
Coding change: c.614-207T>G on transcript NM_017909.4 (MANE Select); 207 bases into the intron before coding-DNA position 614, T replaced by G.
Molecular consequence: intron variant.
Genome position (GRCh38, 1-based): chr6:151,433,437, A>C on the plus strand (T>G on the coding strand, the complement: RMND1 is on the minus strand). VCF-style: chr6-151433437-A-C. GRCh37 (hg19) VCF-style: chr6-151754572-A-C.
Other names: c.104-207T>G (NM_001271937.2).
Identifiers: ClinVar variation 674149 (VCV000674149.1), dbSNP rs116759264, ClinGen allele CA150117944.